The following is an entry in ClinVar:

ClinVar aggregate classification (germline): Benign. Review status: criteria provided, multiple submitters, no conflicts (2 of 4 stars). 3 submissions from 3 submitters: Benign (2). 1 of the submissions does not count toward it. Last evaluated 2026-01-24.

Conditions:
IFT88-related disorder. Also called: IFT88-related condition.

Allele frequency attached by ClinVar (database versions not stated): gnomAD exomes 0.00071 and 0.00151; ExAC 0.00173; ESP Exome Variant Server 0.00369; gnomAD 0.00423 and 0.00447; 1000 Genomes Project 0.00459; TOPMed 0.00492; 1000 Genomes Project 30x 0.00531.
gnomAD v4.1: 1,729 of 1,611,262 alleles (0.11%); highest among the groups gnomAD compares: African/African-American, 1.4%; 9 homozygotes.

Submissions (3):

Labcorp Genetics (formerly Invitae), Labcorp
Classification: Benign. Last evaluated: 2026-01-24. Review status: criteria provided, single submitter. Criteria: Invitae Variant Classification Sherloc (09022015). Collection method: clinical testing. Allele origin: germline.

Breakthrough Genomics
Classification: Benign. Review status: criteria provided, single submitter. Criteria: ACMG Guidelines, 2015. Collection method: not provided. Allele origin: germline. Inheritance: Unknown mechanism. Affected: yes.

PreventionGenetics, part of Exact Sciences
Classification: Benign for IFT88-related condition. Last evaluated: 2019-11-06. Review status: no assertion criteria provided. Collection method: clinical testing. Allele origin: germline. Not counted in ClinVar's aggregate classification.
Comment: This variant is classified as benign based on ACMG/AMP sequence variant interpretation guidelines (Richards et al. 2015 PMID: 25741868, with internal and published modifications).

NM_006531.5(IFT88):c.346C>T (p.Leu116Phe)

Gene: IFT88 (intraflagellar transport 88; plus strand). Cytogenetic location: 13q12.11.
Variant type: single nucleotide variant.
Coding change: c.346C>T on transcript NM_006531.5 (MANE Select); coding-DNA position 346, C replaced by T.
Protein change: p.Leu116Phe; replaces leucine 116 with phenylalanine.
Molecular consequence: missense variant. On other transcripts: non-coding transcript variant (5), intron variant (1).
Genome position (GRCh38, 1-based): chr13:20,592,352, C>T. VCF-style: chr13-20592352-C-T. GRCh37 (hg19) VCF-style: chr13-21166491-C-T.
Other names: c.373C>T (NM_175605.4); c.289C>T, p.Leu97Phe (NM_001318491.2, NM_001353573.2, NM_001353574.2 and 1 more transcripts); c.373C>T, p.Leu125Phe (NM_001318493.2, NM_001353565.2, NM_001353566.2 and 6 more transcripts); c.346C>T, p.Leu116Phe (NM_001353568.2, NM_001353571.2, NM_001353572.2 and 1 more transcripts); c.-236+671C>T (NM_001353579.2); short protein forms L116F, L125F, L97F.
Identifiers: ClinVar variation 1581747 (VCV001581747.11), dbSNP rs9315740, ClinGen allele CA6905052.
Genomic context (GRCh38, chr13:20,592,352, plus strand): 5'-GCTGAGTTACAAATTGAATATTAACTCTTGAATTGTGTCTCAGGCTCTGCATTTGACCCC[C>T]TTAGTCAGTCAAGGGGCCCTGCTTCCCCTTTGGAAGCCAAGAAAAAAGATAGGTATGTAA-3'
Protein context (NP_006522.2, residues 106-126): AALRGSAFDP[Leu116Phe]SQSRGPASPL